The following is an entry in ClinVar:

NM_020822.3(KCNT1):c.957C>T (p.Asp319=)

Gene: KCNT1 (potassium sodium-activated channel subfamily T member 1; plus strand). Cytogenetic location: 9q34.3.
Variant type: single nucleotide variant.
Coding change: c.957C>T on transcript NM_020822.3 (MANE Select); coding-DNA position 957, C replaced by T.
Protein change: p.Asp319=; no amino-acid change (aspartic acid 319 retained).
Molecular consequence: synonymous variant.
Genome position (GRCh38, 1-based): chr9:135,759,781, C>T. VCF-style: chr9-135759781-C-T. GRCh37 (hg19) VCF-style: chr9-138651627-C-T.
Other names: c.822C>T, p.Asp274= (NM_001272003.2).
Identifiers: ClinVar variation 384886 (VCV000384886.40), dbSNP rs148562086, ClinGen allele CA5326712.

ClinVar aggregate classification (germline): Likely benign. Review status: criteria provided, multiple submitters, no conflicts (2 of 4 stars). 7 submissions from 6 submitters: Likely benign (7). Last evaluated 2025-12-22.

Conditions:
KCNT1-related disorder. Also called: KCNT1-related condition.
Developmental and epileptic encephalopathy, 14 (DEE14). Also called: Early infantile epileptic encephalopathy 14. Identifiers: Orphanet 293181, MedGen C3554195, MONDO:0013989, OMIM 614959.
Autosomal dominant nocturnal frontal lobe epilepsy 5. Also called: CILIARY DYSKINESIA, PRIMARY, 28, WITHOUT SITUS INVERSUS; CILIARY DYSKINESIA, PRIMARY, 28, WITH SITUS INVERSUS; KCNT1-Related Epilepsy; Epilepsy, nocturnal frontal lobe, 5. Identifiers: Orphanet 98784, MedGen C3554306, MONDO:0014002, OMIM 615005.

Allele frequency attached by ClinVar (database versions not stated): gnomAD exomes 0.00008 and 0.00013; ExAC 0.00011; TOPMed 0.00025; gnomAD 0.00029 and 0.00033; ESP Exome Variant Server 0.00031.
gnomAD v4.1: 169 of 1,613,444 alleles (0.01%); highest among the groups gnomAD compares: African/African-American, 0.072%; 1 homozygote.

Submissions (7):

PreventionGenetics, part of Exact Sciences
Classification: Likely benign for KCNT1-related condition. Last evaluated: 2025-12-22. Review status: criteria provided, single submitter. Criteria: ACMG Guidelines, 2015. Collection method: clinical testing. Allele origin: germline.
Comment: This variant is classified as likely benign based on ACMG/AMP sequence variant interpretation guidelines (Richards et al. 2015 PMID: 25741868, with internal and published modifications).

Labcorp Genetics (formerly Invitae), Labcorp
Classification: Likely benign for Autosomal dominant nocturnal frontal lobe epilepsy 5; Developmental and epileptic encephalopathy, 14. Last evaluated: 2025-12-19. Review status: criteria provided, single submitter. Criteria: Invitae Variant Classification Sherloc (09022015). Collection method: clinical testing. Allele origin: germline.

Blueprint Genetics
Classification: Likely benign. Last evaluated: 2024-09-30. Review status: criteria provided, single submitter. Criteria: ACMG Guidelines, 2015. Collection method: clinical testing. Allele origin: germline.

CeGaT Center for Human Genetics Tuebingen
Classification: Likely benign. Last evaluated: 2022-10-01. Review status: criteria provided, single submitter. Criteria: CeGaT Center For Human Genetics Tuebingen Variant Classification Criteria Version 2. Collection method: clinical testing. Allele origin: germline. Affected: yes. Observed: 1 variant allele.
Comment: KCNT1: BP4, BP7

Genome-Nilou Lab
Classification: Likely benign for Developmental and epileptic encephalopathy, 14. Last evaluated: 2022-03-15. Review status: criteria provided, single submitter. Criteria: ACMG Guidelines, 2015. Collection method: clinical testing. Allele origin: germline. Affected: no.

Genome-Nilou Lab
Classification: Likely benign for Autosomal dominant nocturnal frontal lobe epilepsy 5. Last evaluated: 2022-03-15. Review status: criteria provided, single submitter. Criteria: ACMG Guidelines, 2015. Collection method: clinical testing. Allele origin: germline. Affected: no.

GeneDx
Classification: Likely benign. Last evaluated: 2020-07-28. Review status: criteria provided, single submitter. Criteria: GeneDx Variant Classification Process June 2021. Collection method: clinical testing. Allele origin: germline. Affected: yes.